The following is an entry in ClinVar:

NM_173628.4(DNAH17):c.8244C>T (p.Thr2748=)

Gene: DNAH17 (dynein axonemal heavy chain 17; minus strand). Cytogenetic location: 17q25.3.
Variant type: single nucleotide variant.
Coding change: c.8244C>T on transcript NM_173628.4 (MANE Select); coding-DNA position 8244, C replaced by T.
Protein change: p.Thr2748=; no amino-acid change (threonine 2748 retained).
Molecular consequence: synonymous variant.
Genome position (GRCh38, 1-based): chr17:78,475,744, G>A on the plus strand (C>T on the coding strand, the complement: DNAH17 is on the minus strand). VCF-style: chr17-78475744-G-A. GRCh37 (hg19) VCF-style: chr17-76471826-G-A.
Other names: c.8244C>T (NM_173628.3).
Identifiers: ClinVar variation 2648359 (VCV002648359.26), dbSNP rs201774858, ClinGen allele CA8801910.

ClinVar aggregate classification (germline): Likely benign. Review status: criteria provided, multiple submitters, no conflicts (2 of 4 stars). 3 submissions from 3 submitters: Likely benign (2). 1 of the submissions does not count toward it. Last evaluated 2024-11-07.

Conditions:
DNAH17-related disorder. Also called: DNAH17-related condition.

Allele frequency attached by ClinVar (database versions not stated): 1000 Genomes Project 30x 0.00016; 1000 Genomes Project 0.00020; ESP Exome Variant Server 0.00129; gnomAD 0.00132; ExAC 0.00146.
gnomAD v4.1: 2,968 of 1,613,864 alleles (0.18%); highest among the groups gnomAD compares: Non-Finnish European, 0.23%; 5 homozygotes.

Submissions (3):

Blueprint Genetics
Classification: Likely benign. Last evaluated: 2024-11-07. Review status: criteria provided, single submitter. Criteria: ACMG Guidelines, 2015. Collection method: clinical testing. Allele origin: germline.

CeGaT Center for Human Genetics Tuebingen
Classification: Likely benign. Last evaluated: 2022-05-01. Review status: criteria provided, single submitter. Criteria: CeGaT Center For Human Genetics Tuebingen Variant Classification Criteria Version 2. Collection method: clinical testing. Allele origin: germline. Affected: yes. Observed: 1 variant allele.
Comment: DNAH17: BP4, BP7

PreventionGenetics, part of Exact Sciences
Classification: Likely benign for DNAH17-related condition. Last evaluated: 2019-10-28. Review status: no assertion criteria provided. Collection method: clinical testing. Allele origin: germline. Not counted in ClinVar's aggregate classification.
Comment: This variant is classified as likely benign based on ACMG/AMP sequence variant interpretation guidelines (Richards et al. 2015 PMID: 25741868, with internal and published modifications).